The following is an entry in ClinVar:

NM_001267550.2(TTN):c.29599A>T (p.Arg9867Ter)

Gene: TTN (titin; minus strand). Cytogenetic location: 2q31.2.
Variant type: single nucleotide variant.
Coding change: c.29599A>T on transcript NM_001267550.2 (MANE Select); coding-DNA position 29599, A replaced by T.
Protein change: p.Arg9867Ter; replaces arginine 9867 with a stop codon.
Molecular consequence: nonsense. On other transcripts: intron variant (3).
Genome position (GRCh38, 1-based): chr2:178,705,179, T>A on the plus strand (A>T on the coding strand, the complement: TTN is on the minus strand). VCF-style: chr2-178705179-T-A. GRCh37 (hg19) VCF-style: chr2-179569906-T-A.
Other names: c.28648A>T, p.Arg9550Ter (NM_001256850.1); c.25867A>T, p.Arg8623Ter (NM_133378.4); c.13282+32903A>T (NM_003319.4); c.13858+32903A>T (NM_133437.4); c.13657+32903A>T (NM_133432.3); short protein forms R9550*, R9867*, R8623*.
Identifiers: ClinVar variation 2036132 (VCV002036132.4), dbSNP rs2475275700, ClinGen allele CA349580118.

ClinVar aggregate classification (germline): Likely pathogenic (1 of 4 stars; one submission).

Conditions:
Dilated cardiomyopathy 1G (CMD1G). Identifiers: Orphanet 154, MedGen C1858763, MONDO:0011400, OMIM 604145.
Autosomal recessive limb-girdle muscular dystrophy type 2J (LGMDR10). Also called: Limb-girdle muscular dystrophy, type 2J; MUSCULAR DYSTROPHY, LIMB-GIRDLE, AUTOSOMAL RECESSIVE 10. Identifiers: Orphanet 140922, MedGen C1837342, MONDO:0012127, OMIM 608807.

Allele frequency attached by ClinVar (database versions not stated): gnomAD exomes below 0.00001.
gnomAD v4.1: 1 of 1,612,778 alleles (0.000062%); highest among the groups gnomAD compares: Non-Finnish European, 0.000085%; no homozygotes.

Submission:

Labcorp Genetics (formerly Invitae), Labcorp
Classification: Likely pathogenic for Dilated cardiomyopathy 1G; Autosomal recessive limb-girdle muscular dystrophy type 2J. Last evaluated: 2024-10-18. Review status: criteria provided, single submitter. Criteria: Invitae Variant Classification Sherloc (09022015). Collection method: clinical testing. Allele origin: germline.
Comment: This sequence change creates a premature translational stop signal (p.Arg9867*) in the TTN gene. While this is not anticipated to result in nonsense mediated decay, it is expected to create a truncated TTN protein. This variant is not present in population databases (gnomAD no frequency). This variant has not been reported in the literature in individuals affected with TTN-related conditions. ClinVar contains an entry for this variant (Variation ID: 2036132). This variant is located in the I band of TTN (PMID: 25589632). Truncating variants in this region have been reported in individuals affected with autosomal recessive centronuclear myopathy (PMID: 23975875, internal data). Truncating variants in this region have also been identified in individuals affected with autosomal dominant dilated cardiomyopathy and/or cardio-related conditions (PMID: 27869827, 32964742, internal data). In summary, the currently available evidence indicates that the variant is pathogenic, but additional data are needed to prove that conclusively. Therefore, this variant has been classified as Likely Pathogenic.

Literature cited by the submitters: PubMed 25589632; PubMed 23975875; PubMed 27869827; PubMed 32964742.